The following is an entry in ClinVar:

NM_006063.3(KLHL41):c.168_175del (p.Pro56_Tyr57insTer)

Gene: KLHL41 (kelch like family member 41; plus strand). Cytogenetic location: 2q31.1.
Variant type: Deletion.
Coding change: c.168_175del on transcript NM_006063.3 (MANE Select); coding-DNA positions 168 to 175, 8 bases deleted (TTACTTCC; older notation c.168_175delTTACTTCC).
Protein change: p.Pro56_Tyr57insTer.
Molecular consequence: frameshift variant.
Genome position (GRCh38, 1-based): chr2:169,509,946-169,509,953, TTACTTCC deleted; deleting any 8 consecutive bases within chr2:169,509,943-169,509,953 gives the same sequence; the c. name uses the placement nearest the transcript's 3' end. VCF-style (leftmost placement, unchanged base first): chr2-169509942-GTCCTTACT-G. GRCh37 (hg19) VCF-style: chr2-170366452-GTCCTTACT-G.
Identifiers: ClinVar variation 581470 (VCV000581470.6), dbSNP rs1247404453, ClinGen allele CA537972147.
Genomic context (GRCh38, chr2:169,509,942, plus strand): 5'-GCACCCTAAAAGCAGGTGACAAAAGTCTTCCTTGCCACAGATTGATTTTGTCAGCTTGTA[GTCCTTACT>G]TCCGTGAGTACTTTTTATCTGAAATTGATGAGGCGAAAAAAAAGGAGGTAGTGCTAGACA-3'

ClinVar aggregate classification (germline): Pathogenic (1 of 4 stars; one submission).

Conditions:
Nemaline myopathy 9 (NEM9). Identifiers: MedGen C3810384, MONDO:0014326, OMIM 615731.

Submission:

Labcorp Genetics (formerly Invitae), Labcorp
Classification: Pathogenic for Nemaline myopathy 9. Last evaluated: 2017-06-16. Review status: criteria provided, single submitter. Criteria: Invitae Variant Classification Sherloc (09022015). Collection method: clinical testing. Allele origin: germline.
Comment: This sequence change creates a premature translational stop signal (p.Tyr57*) in the KLHL41 gene. It is expected to result in an absent or disrupted protein product. This variant is not present in population databases (ExAC no frequency). This variant has not been reported in the literature in individuals with KLHL41-related disease. Algorithms developed to predict the effect of sequence changes on RNA splicing suggest that this variant may create or strengthen a splice site, but this prediction has not been confirmed by published transcriptional studies. Loss-of-function variants in KLHL41 are known to be pathogenic (PMID: 24268659). For these reasons, this variant has been classified as Pathogenic.

Literature cited by the submitters: PubMed 24268659.